The following is an entry in ClinVar:

NM_001184.4(ATR):c.7555A>G (p.Met2519Val)

Gene: ATR (ATR checkpoint kinase; minus strand). Cytogenetic location: 3q23.
Variant type: single nucleotide variant.
Coding change: c.7555A>G on transcript NM_001184.4 (MANE Select); coding-DNA position 7555, A replaced by G.
Protein change: p.Met2519Val; replaces methionine 2519 with valine.
Molecular consequence: missense variant.
Genome position (GRCh38, 1-based): chr3:142,457,704, T>C on the plus strand (A>G on the coding strand, the complement: ATR is on the minus strand). VCF-style: chr3-142457704-T-C. GRCh37 (hg19) VCF-style: chr3-142176546-T-C.
Other names: c.7363A>G, p.Met2455Val (NM_001354579.2); short protein forms M2519V, M2455V.
Identifiers: ClinVar variation 1759497 (VCV001759497.3), dbSNP rs2473033390, ClinGen allele CA354795312.
Genomic context (GRCh38, chr3:142,457,704, plus strand): 5'-TAACTTCACATGCTCTTCGAAAAAGACCCTCTGTTCCCATAGGACCCATTCCATTAACCA[T>C]ATTATGAGTCAGGCGAAATGGCACAATTTCTGGAACTTCAAAGGTTTCTCCCTTAGAAAC-3'
Protein context (NP_001175.2, residues 2509-2529): EIVPFRLTHN[Met2519Val]VNGMGPMGTE

ClinVar aggregate classification (germline): Uncertain significance (1 of 4 stars; one submission).

Conditions:
Inborn genetic diseases. Identifiers: MedGen C0950123, MeSH D030342.

Allele frequency attached by ClinVar (database versions not stated): gnomAD exomes below 0.00001.
gnomAD v4.1: 1 of 1,614,054 alleles (0.000062%); highest among the groups gnomAD compares: Middle Eastern, 0.017%; no homozygotes.

Submission:

Ambry Genetics
Classification: Uncertain significance for Inborn genetic diseases. Last evaluated: 2024-05-27. Review status: criteria provided, single submitter. Criteria: Ambry Variant Classification Scheme 2023. Collection method: clinical testing. Allele origin: germline.
Comment: The p.M2519V variant (also known as c.7555A>G), located in coding exon 45 of the ATR gene, results from an A to G substitution at nucleotide position 7555. The methionine at codon 2519 is replaced by valine, an amino acid with highly similar properties. This amino acid position is conserved. In addition, this alteration is predicted to be deleterious by in silico analysis. Since supporting evidence is limited at this time, the clinical significance of this alteration remains unclear.